The following is an entry in ClinVar:

NM_001375524.1(TRRAP):c.3558A>G (p.Ala1186=)

Gene: TRRAP (transformation/transcription domain associated protein; plus strand). Cytogenetic location: 7q22.1.
Variant type: single nucleotide variant.
Coding change: c.3558A>G on transcript NM_001375524.1 (MANE Select); coding-DNA position 3558, A replaced by G.
Protein change: p.Ala1186=; no amino-acid change (alanine 1186 retained).
Molecular consequence: synonymous variant.
Genome position (GRCh38, 1-based): chr7:98,930,797, A>G. VCF-style: chr7-98930797-A-G. GRCh37 (hg19) VCF-style: chr7-98528420-A-G.
Other names: c.3558A>G, p.Ala1186= (NM_001244580.2, NM_003496.4); c.3558A>G (NM_003496.3).
Identifiers: ClinVar variation 2044722 (VCV002044722.6), dbSNP rs113886181, ClinGen allele CA4360010.

ClinVar aggregate classification (germline): Benign/Likely benign. Review status: criteria provided, multiple submitters, no conflicts (2 of 4 stars). 3 submissions from 3 submitters: Benign (1); Likely benign (1). 1 of the submissions does not count toward it. Last evaluated 2026-01-26.

Conditions:
TRRAP-related disorder. Also called: TRRAP-related condition.

Allele frequency attached by ClinVar (database versions not stated): gnomAD exomes 0.00019; ExAC 0.00055; ESP Exome Variant Server 0.00154; gnomAD 0.00165; 1000 Genomes Project 30x 0.00172; TOPMed 0.00179; 1000 Genomes Project 0.00220.
gnomAD v4.1: 567 of 1,614,222 alleles (0.035%); highest among the groups gnomAD compares: African/African-American, 0.63%; 3 homozygotes.

Submissions (3):

Labcorp Genetics (formerly Invitae), Labcorp
Classification: Benign. Last evaluated: 2026-01-26. Review status: criteria provided, single submitter. Criteria: Invitae Variant Classification Sherloc (09022015). Collection method: clinical testing. Allele origin: germline.

Blueprint Genetics
Classification: Likely benign. Last evaluated: 2024-10-18. Review status: criteria provided, single submitter. Criteria: ACMG Guidelines, 2015. Collection method: clinical testing. Allele origin: germline.

PreventionGenetics, part of Exact Sciences
Classification: Likely benign for TRRAP-related condition. Last evaluated: 2024-09-18. Review status: no assertion criteria provided. Collection method: clinical testing. Allele origin: germline. Not counted in ClinVar's aggregate classification.
Comment: This variant is classified as likely benign based on ACMG/AMP sequence variant interpretation guidelines (Richards et al. 2015 PMID: 25741868, with internal and published modifications).